The following is an entry in ClinVar:

NM_000388.4(CASR):c.1127G>A (p.Gly376Asp)

Gene: CASR (calcium sensing receptor; plus strand). Cytogenetic location: 3q21.1.
Variant type: single nucleotide variant.
Coding change: c.1127G>A on transcript NM_000388.4 (MANE Select); coding-DNA position 1127, G replaced by A.
Protein change: p.Gly376Asp; replaces glycine 376 with aspartic acid.
Molecular consequence: missense variant.
Genome position (GRCh38, 1-based): chr3:122,262,162, G>A. VCF-style: chr3-122262162-G-A. GRCh37 (hg19) VCF-style: chr3-121981009-G-A.
Other names: c.1127G>A, p.Gly376Asp (NM_001178065.2); short protein forms G376D.
Identifiers: ClinVar variation 2948762 (VCV002948762.3), dbSNP rs2074634579, ClinGen allele CA354152644.

ClinVar aggregate classification (germline): Uncertain significance (1 of 4 stars; one submission).

Conditions:
Autosomal dominant hypocalcemia 1 (HYPOC1). Also called: HYPOCALCEMIA, FAMILIAL. Identifiers: MedGen C3715128, MONDO:0011013, OMIM 601198.
Familial hypocalciuric hypercalcemia (FHH). Also called: Familial benign hypercalcemia. Identifiers: Orphanet 405, MedGen C1809471, MONDO:0018458.

Submission:

Labcorp Genetics (formerly Invitae), Labcorp
Classification: Uncertain significance for Familial hypocalciuric hypercalcemia; Autosomal dominant hypocalcemia 1. Last evaluated: 2023-06-11. Review status: criteria provided, single submitter. Criteria: Invitae Variant Classification Sherloc (09022015). Collection method: clinical testing. Allele origin: germline.
Comment: This sequence change replaces glycine, which is neutral and non-polar, with aspartic acid, which is acidic and polar, at codon 376 of the CASR protein (p.Gly376Asp). In summary, the available evidence is currently insufficient to determine the role of this variant in disease. Therefore, it has been classified as a Variant of Uncertain Significance. Algorithms developed to predict the effect of missense changes on protein structure and function output the following: SIFT: "Not Available"; PolyPhen-2: "Benign"; Align-GVGD: "Not Available". The aspartic acid amino acid residue is found in multiple mammalian species, which suggests that this missense change does not adversely affect protein function. This variant has not been reported in the literature in individuals affected with CASR-related conditions. This variant is not present in population databases (gnomAD no frequency).